The following is an entry in ClinVar:

ClinVar aggregate classification (germline): Pathogenic/Likely pathogenic. Review status: criteria provided, multiple submitters, no conflicts (2 of 4 stars). 7 submissions from 6 submitters: Pathogenic (3); Likely pathogenic (2). 2 of the submissions do not count toward it. Last evaluated 2026-01-12.

Conditions:
Mitochondrial complex III deficiency nuclear type 1. Identifiers: Orphanet 254902, MedGen C3541471, MONDO:0007415, OMIM 124000.
GRACILE syndrome (FLNMS). Also called: FELLMAN SYNDROME; FINNISH LETHAL NEONATAL METABOLIC SYNDROME. Identifiers: Orphanet 53693, MedGen C1864002, MONDO:0011308, OMIM 603358.
Pili torti-deafness syndrome (BJS). Also called: Bjornstad syndrome; PILI TORTI AND NERVE DEAFNESS. Identifiers: Orphanet 123, MedGen C0266006, MONDO:0009872, OMIM 262000.

Allele frequency attached by ClinVar (database versions not stated): gnomAD exomes below 0.00001; ExAC 0.00001; TOPMed 0.00002; gnomAD 0.00004.

Submissions (7):

Natera, Inc.
Classification: Likely pathogenic for GRACILE syndrome. Last evaluated: 2026-01-12. Review status: criteria provided, single submitter. Criteria: Natera Variant Classification Schema (03/2026). Collection method: clinical testing. Allele origin: germline.
Comment: The c.598C>T variant in BCS1L is a nonsense variant predicted to introduce a stop codon at amino acid 200. This variant is expected to result in nonsense mediated decay, truncation, or a dysfunctional protein product. This variant is rare in the general population with a frequency below the threshold expected for the associated phenotype(s). Given the available evidence, this variant is classified as Likely Pathogenic.

Fulgent Genetics
Classification: Likely pathogenic for Mitochondrial complex III deficiency nuclear type 1; Pili torti-deafness syndrome; GRACILE syndrome. Last evaluated: 2024-06-20. Review status: criteria provided, single submitter. Criteria: ACMG Guidelines, 2015. Collection method: clinical testing. Allele origin: germline.

Labcorp Genetics (formerly Invitae), Labcorp
Classification: Pathogenic. Last evaluated: 2024-01-25. Review status: criteria provided, single submitter. Criteria: Invitae Variant Classification Sherloc (09022015). Collection method: clinical testing. Allele origin: germline.
Comment: This sequence change creates a premature translational stop signal (p.Arg200*) in the BCS1L gene. It is expected to result in an absent or disrupted protein product. Loss-of-function variants in BCS1L are known to be pathogenic (PMID: 12215968, 17314340, 19162478, 19508421, 22277166, 25895478). This variant is present in population databases (rs776838028, gnomAD 0.0009%). This premature translational stop signal has been observed in individual(s) with BCS1L-related conditions (PMID: 27959697). ClinVar contains an entry for this variant (Variation ID: 374395). For these reasons, this variant has been classified as Pathogenic.

Baylor Genetics
Classification: Pathogenic for Pili torti-deafness syndrome. Last evaluated: 2023-12-18. Review status: criteria provided, single submitter. Criteria: ACMG Guidelines, 2015. Collection method: clinical testing. Allele origin: unknown.

GeneDx
Classification: Pathogenic. Last evaluated: 2017-06-02. Review status: criteria provided, single submitter. Criteria: GeneDx Variant Classification (06012015). Collection method: clinical testing. Allele origin: germline. Affected: yes.
Comment: This variant is predicted to cause loss of normal protein function either through protein truncation or nonsense-mediated mRNA decay. The R200X variant is not observed at a significant frequency in large population cohorts (Lek et al., 2016; 1000 Genomes Consortium et al., 2015; Exome Variant Server). We interpret R200X as a pathogenic variant.

Counsyl
Classification: Likely pathogenic for Mitochondrial complex III deficiency nuclear type 1. Last evaluated: 2018-01-05. Review status: no assertion criteria provided. Collection method: clinical testing. Allele origin: unknown. Not counted in ClinVar's aggregate classification.

Baylor Genetics
Classification: Pathogenic for Mitochondrial complex III deficiency nuclear type 1. Last evaluated: 2016-05-01. Review status: no assertion criteria provided. Collection method: clinical testing. Allele origin: paternal, germline. Inheritance: Autosomal recessive inheritance. Affected: yes. Not counted in ClinVar's aggregate classification.

Literature cited by the submitters: PubMed 12215968 (cited by Labcorp Genetics (formerly Invitae), Labcorp); PubMed 17314340 (cited by Labcorp Genetics (formerly Invitae), Labcorp); PubMed 19162478 (cited by Labcorp Genetics (formerly Invitae), Labcorp); PubMed 19508421 (cited by Labcorp Genetics (formerly Invitae), Labcorp); PubMed 22277166 (cited by Labcorp Genetics (formerly Invitae), Labcorp); PubMed 25895478 (cited by Labcorp Genetics (formerly Invitae), Labcorp); PubMed 27959697 (cited by Labcorp Genetics (formerly Invitae), Labcorp and Counsyl).

NM_001079866.2(BCS1L):c.598C>T (p.Arg200Ter)

Gene: BCS1L (BCS1 ubiquinol-cytochrome c reductase complex chaperone; plus strand). Cytogenetic location: 2q35.
Variant type: single nucleotide variant.
Coding change: c.598C>T on transcript NM_001079866.2 (MANE Select); coding-DNA position 598, C replaced by T.
Protein change: p.Arg200Ter; replaces arginine 200 with a stop codon.
Molecular consequence: nonsense. On other transcripts: non-coding transcript variant (1).
Genome position (GRCh38, 1-based): chr2:218,661,896, C>T. VCF-style: chr2-218661896-C-T. GRCh37 (hg19) VCF-style: chr2-219526619-C-T.
Other names: c.598C>T, p.Arg200Ter (NM_001371446.1, NM_001371447.1, NM_001371448.1 and 10 more transcripts); c.238C>T, p.Arg80Ter (NM_001371451.1, NM_001318836.2); c.97C>T, p.Arg33Ter (NM_001371456.1, NM_001374086.1, NM_001371452.1 and 3 more transcripts); short protein forms R200*, R80*, R33*.
Identifiers: ClinVar variation 374395 (VCV000374395.15), dbSNP rs776838028, ClinGen allele CA2109700.
Genomic context (GRCh38, chr2:218,661,896, plus strand): 5'-GGCTATCCACGCCGCCGGCGACCACTGAATTCTGTGGTTCTACAACAGGGTCTGGCTGAC[C>T]GAATTGTCAGAGACGTCCAGGAATTCATCGATAACCCCAAGTGGTACACTGACAGAGGTG-3'